The following is an entry in ClinVar:

NM_000102.4(CYP17A1):c.297+1G>C

Gene: CYP17A1 (cytochrome P450 family 17 subfamily A member 1; minus strand). Cytogenetic location: 10q24.32.
Variant type: single nucleotide variant.
Coding change: c.297+1G>C on transcript NM_000102.4 (MANE Select); the canonical splice donor site of the intron after coding-DNA position 297, G replaced by C.
Molecular consequence: splice donor variant.
Genome position (GRCh38, 1-based): chr10:102,837,064, C>G on the plus strand (G>C on the coding strand, the complement: CYP17A1 is on the minus strand). VCF-style: chr10-102837064-C-G. GRCh37 (hg19) VCF-style: chr10-104596821-C-G.
Identifiers: ClinVar variation 4817436 (VCV004817436.1).

ClinVar aggregate classification (germline): Pathogenic (1 of 4 stars; one submission).

Conditions:
Deficiency of steroid 17-alpha-monooxygenase. Also called: ADRENAL HYPERPLASIA V; 17-ALPHA-HYDROXYLASE DEFICIENCY; Congenital adrenal hyperplasia due to 17-alpha-hydroxylase deficiency; Congenital adrenal hyperplasia type 5; 17-alpha-hydroxylase/17,20-lyase deficiency. Identifiers: Orphanet 90793, MedGen C0268285, MONDO:0008730, OMIM 202110.

Submission:

Natera, Inc.
Classification: Pathogenic for Deficiency of steroid 17-alpha-monooxygenase. Last evaluated: 2025-11-07. Review status: criteria provided, single submitter. Criteria: Natera Variant Classification Schema (03/2026). Collection method: clinical testing. Allele origin: germline.
Comment: The c.297+1G>C variant in CYP17A1 is a canonical splice donor site variant predicted to affect pre-mRNA splicing, which may result in an abnormal transcript and altered protein product. This variant is expected to result in nonsense mediated decay, truncation, or a dysfunctional protein product. This variant is rare in the general population with a frequency below the threshold expected for the associated phenotype(s). Another variant at this same site results in an alteration predicted to cause a similar molecular effect has been observed in individual(s) with the associated phenotype. Given the available evidence, this variant is classified as Pathogenic.